The following is an entry in ClinVar:

NM_001160372.4(TRAPPC9):c.1170C>G (p.Ile390Met)

Gene: TRAPPC9 (trafficking protein particle complex subunit 9; minus strand). Cytogenetic location: 8q24.3.
Variant type: single nucleotide variant.
Coding change: c.1170C>G on transcript NM_001160372.4 (MANE Select); coding-DNA position 1170, C replaced by G.
Protein change: p.Ile390Met; replaces isoleucine 390 with methionine.
Molecular consequence: missense variant. On other transcripts: non-coding transcript variant (1).
Genome position (GRCh38, 1-based): chr8:140,371,145, G>C on the plus strand (C>G on the coding strand, the complement: TRAPPC9 is on the minus strand). VCF-style: chr8-140371145-G-C. GRCh37 (hg19) VCF-style: chr8-141381244-G-C.
Other names: c.1143C>G, p.Ile381Met (NM_001321646.2); c.1191C>G, p.Ile397Met (NM_001374682.1); c.1170C>G, p.Ile390Met (NM_001374683.1, NM_001374684.1, NM_031466.8); short protein forms I381M, I397M, I390M.
Identifiers: ClinVar variation 1773212 (VCV001773212.2), dbSNP rs2540084641, ClinGen allele CA372317195.
Genomic context (GRCh38, chr8:140,371,145, plus strand): 5'-CACGCGCTTGAAGAACGCAGACTTGCGATGGAAGCCGATCAGCTCATAGAGCTCGGAGAG[G>C]ATGCTGTAGCGCTGAATTTTCTCTTCCTCAGAAAGCTGAAGCACAGAGAGAAAGTAAAAA-3'
Protein context (NP_001153844.1, residues 380-400): SEEEKIQRYS[Ile390Met]LSELYELIGF

ClinVar aggregate classification (germline): Uncertain significance (1 of 4 stars; one submission).

Conditions:
Inborn genetic diseases. Identifiers: MedGen C0950123, MeSH D030342.

Submission:

Ambry Genetics
Classification: Uncertain significance for Inborn genetic diseases. Last evaluated: 2017-06-28. Review status: criteria provided, single submitter. Criteria: Ambry Variant Classification Scheme 2023. Collection method: clinical testing. Allele origin: germline.
Comment: The p.I488M variant (also known as c.1464C>G), located in coding exon 8 of the TRAPPC9 gene, results from a C to G substitution at nucleotide position 1464. The isoleucine at codon 488 is replaced by methionine, an amino acid with highly similar properties. This amino acid position is not well conserved in available vertebrate species. In addition, the in silico prediction for this alteration is inconclusive. Since supporting evidence is limited at this time, the clinical significance of this alteration remains unclear.